The following is an entry in ClinVar:

NM_016306.6(DNAJB11):c.730A>T (p.Lys244Ter)

Gene: DNAJB11 (DnaJ heat shock protein family (Hsp40) member B11; plus strand). Cytogenetic location: 3q27.3.
Variant type: single nucleotide variant.
Coding change: c.730A>T on transcript NM_016306.6 (MANE Select); coding-DNA position 730, A replaced by T.
Protein change: p.Lys244Ter; replaces lysine 244 with a stop codon.
Molecular consequence: nonsense. On other transcripts: non-coding transcript variant (6).
Genome position (GRCh38, 1-based): chr3:186,582,763, A>T. VCF-style: chr3-186582763-A-T. GRCh37 (hg19) VCF-style: chr3-186300552-A-T.
Other names: c.454A>T, p.Lys152Ter (NM_001378451.1); short protein forms K152*, K244*.
Identifiers: ClinVar variation 4818745 (VCV004818745.1).

ClinVar aggregate classification (germline): Pathogenic (1 of 4 stars; one submission).

Conditions:
Autosomal dominant polycystic kidney disease. Identifiers: Orphanet 730, MedGen C0085413, MONDO:0004691.

Submission:

Mayo Translational Polycystic Kidney Disease Center, Mayo Clinic
Classification: Pathogenic for Autosomal dominant polycystic kidney disease. Last evaluated: 2026-01-30. Review status: criteria provided, single submitter. Criteria: ACMG Guidelines, 2015. Collection method: research. Allele origin: germline. Inheritance: Autosomal dominant inheritance. Affected: yes.
Comment: The c.730A>T variant in the DNAJB11 gene introduces a premature stop codon at position 244 (p.Lys244Ter) and is predicted to result in a truncated protein lacking essential functional domains. This nonsense variant is expected to cause loss of function through production of a nonfunctional protein, meeting the PVS1 criterion. The variant is absent from the gnomAD v4.1.0 population database, supporting PM2. Loss-of-function variants in DNAJB11 are a known mechanism of disease and are associated with atypical autosomal dominant polycystic kidney disease. This specific variant has been reported in affected individuals within a family with kidney cystic disease (PMID: 32631624), providing supporting evidence for PP4 based on phenotype–genotype consistency. Based on the nature of the mutation, its rarity, the established disease mechanism, and supporting clinical reports, this variant is best classified as pathogenic.

Literature cited by the submitters: PubMed 32631624.